The following is an entry in ClinVar:

ClinVar aggregate classification (germline): Uncertain significance (1 of 4 stars; one submission).

gnomAD v4.1: 10 of 1,603,028 alleles (0.00062%); highest among the groups gnomAD compares: Admixed American, 0.017%; no homozygotes.

Submission:

Labcorp Genetics (formerly Invitae), Labcorp
Classification: Uncertain significance. Last evaluated: 2025-04-19. Review status: criteria provided, single submitter. Criteria: Invitae Variant Classification Sherloc (09022015). Collection method: clinical testing. Allele origin: germline.
Comment: This sequence change falls in intron 8 of the PMPCA gene. It does not directly change the encoded amino acid sequence of the PMPCA protein. It affects a nucleotide within the consensus splice site. This variant is present in population databases (no rsID available, gnomAD 0.01%). This variant has not been reported in the literature in individuals affected with PMPCA-related conditions. Variants that disrupt the consensus splice site are a relatively common cause of aberrant splicing (PMID: 17576681, 9536098). Algorithms developed to predict the effect of sequence changes on RNA splicing suggest that this variant is not likely to affect RNA splicing. In summary, the available evidence is currently insufficient to determine the role of this variant in disease. Therefore, it has been classified as a Variant of Uncertain Significance.

Literature cited by the submitters: PubMed 17576681; PubMed 9536098.

NM_015160.3(PMPCA):c.990+3G>A

Gene: PMPCA (peptidase, mitochondrial processing subunit alpha; plus strand). Cytogenetic location: 9q34.3.
Variant type: single nucleotide variant.
Coding change: c.990+3G>A on transcript NM_015160.3 (MANE Select); 3 bases into the intron after coding-DNA position 990, G replaced by A.
Molecular consequence: intron variant.
Genome position (GRCh38, 1-based): chr9:136,418,112, G>A. VCF-style: chr9-136418112-G-A. GRCh37 (hg19) VCF-style: chr9-139312564-G-A.
Other names: c.690+3G>A (NM_001282946.2); c.597+3G>A (NM_001282944.2).
Identifiers: ClinVar variation 4700212 (VCV004700212.1).